The following is an entry in ClinVar:

ClinVar aggregate classification (germline): Uncertain significance. Review status: criteria provided, multiple submitters, no conflicts (2 of 4 stars). 2 submissions from 2 submitters: Uncertain significance (2). Last evaluated 2025-05-07.

Conditions:
Inborn genetic diseases. Identifiers: MedGen C0950123, MeSH D030342.
Autoimmune lymphoproliferative syndrome type 2B. Also called: AUTOIMMUNE LYMPHOPROLIFERATIVE SYNDROME, TYPE IIB. Identifiers: Orphanet 275517, MedGen C1846545, MONDO:0011804, OMIM 607271.

Allele frequency attached by ClinVar (database versions not stated): gnomAD exomes 0.00001.
gnomAD v4.1: 7 of 1,612,360 alleles (0.00043%); highest among the groups gnomAD compares: Non-Finnish European, 0.00059%; no homozygotes.

Submissions (2):

Ambry Genetics
Classification: Uncertain significance for Inborn genetic diseases. Last evaluated: 2025-05-07. Review status: criteria provided, single submitter. Criteria: Ambry Variant Classification Scheme 2023. Collection method: clinical testing. Allele origin: germline.

Labcorp Genetics (formerly Invitae), Labcorp
Classification: Uncertain significance for Autoimmune lymphoproliferative syndrome type 2B. Last evaluated: 2021-09-01. Review status: criteria provided, single submitter. Criteria: Invitae Variant Classification Sherloc (09022015). Collection method: clinical testing. Allele origin: germline.
Comment: This sequence change replaces aspartic acid with glycine at codon 129 of the CASP8 protein (p.Asp129Gly). The aspartic acid residue is weakly conserved and there is a moderate physicochemical difference between aspartic acid and glycine. This variant is not present in population databases (ExAC no frequency). This variant has not been reported in the literature in individuals affected with CASP8-related conditions. Algorithms developed to predict the effect of missense changes on protein structure and function are either unavailable or do not agree on the potential impact of this missense change (SIFT: "Deleterious"; PolyPhen-2: "Benign"; Align-GVGD: "Class C0"). In summary, the available evidence is currently insufficient to determine the role of this variant in disease. Therefore, it has been classified as a Variant of Uncertain Significance.

NM_001372051.1(CASP8):c.306-1926A>G

Gene: CASP8 (caspase 8; plus strand). Cytogenetic location: 2q33.1.
Variant type: single nucleotide variant.
Coding change: c.306-1926A>G on transcript NM_001372051.1 (MANE Select); 1926 bases into the intron before coding-DNA position 306, A replaced by G.
Molecular consequence: intron variant. On other transcripts: missense variant (1).
Genome position (GRCh38, 1-based): chr2:201,269,590, A>G. VCF-style: chr2-201269590-A-G. GRCh37 (hg19) VCF-style: chr2-202134313-A-G.
Other names: c.386A>G, p.Asp129Gly (NM_001228.5); c.306-1926A>G (NM_001400651.1, NM_001400663.1, NM_001400657.1 and 20 more transcripts); c.-227-1926A>G (NM_001400677.1, NM_001400750.1, NM_001400751.1 and 6 more transcripts); c.-4-1926A>G (NM_001400669.1); c.-306-1926A>G (NM_001400680.1); c.483-1926A>G (NM_001080125.2, NM_001400642.1, NM_001400665.1); c.-408-1926A>G (NM_001400674.1); short protein forms D129G.
Identifiers: ClinVar variation 1523879 (VCV001523879.6), dbSNP rs1252394250, ClinGen allele CA350284486.